The following is an entry in ClinVar:

NM_000208.4(INSR):c.1459A>G (p.Lys487Glu)

Gene: INSR (insulin receptor; minus strand). Cytogenetic location: 19p13.2.
Variant type: single nucleotide variant.
Coding change: c.1459A>G on transcript NM_000208.4 (MANE Select); coding-DNA position 1459, A replaced by G.
Protein change: p.Lys487Glu; replaces lysine 487 with glutamic acid.
Molecular consequence: missense variant.
Genome position (GRCh38, 1-based): chr19:7,170,561, T>C on the plus strand (A>G on the coding strand, the complement: INSR is on the minus strand). VCF-style: chr19-7170561-T-C. GRCh37 (hg19) VCF-style: chr19-7170572-T-C.
Other names: c.1459A>G, p.Lys487Glu (NM_001079817.3); c.1459A>G (NM_000208.3); short protein forms K487E.
Identifiers: ClinVar variation 14680 (VCV000014680.2), dbSNP rs121913136, ClinGen allele CA124213.

ClinVar aggregate classification (germline): Conflicting classifications of pathogenicity. Review status: no assertion criteria provided (0 of 4 stars). 2 submissions from 2 submitters: Pathogenic (1); Uncertain significance (1). Last evaluated 2024-04-17.

Conditions:
Leprechaunism syndrome. Also called: Donohue syndrome; LEPRECHAUNISM. Identifiers: Orphanet 508, MedGen C0265344, MONDO:0009517, OMIM 246200.
INSR-related disorder.

Allele frequency attached by ClinVar (database versions not stated): gnomAD exomes below 0.00001; gnomAD 0.00001; TOPMed 0.00001.
gnomAD v4.1: 2 of 1,612,984 alleles (0.00012%); highest among the groups gnomAD compares: Non-Finnish European, 0.00017%; no homozygotes.

Submissions (2):

PreventionGenetics, part of Exact Sciences
Classification: Uncertain significance for INSR-related condition. Last evaluated: 2024-04-17. Review status: no assertion criteria provided. Collection method: clinical testing. Allele origin: germline.
Comment: The INSR c.1459A>G variant is predicted to result in the amino acid substitution p.Lys487Glu. This variant (legacy nomenclature p.Lys460Glu) was reported in the compound heterozygous state along with a truncating variant in an individual with leprechaunism (Kadowaki et al. 1988. PubMed ID: 2834824) and was also reported along with a missense variant in a patient with nephrocalcinosis (Simpkin et al. 2014. PubMed ID: 25358339). This variant has not been reported in a large population database, indicating this variant is rare. At this time, the clinical significance of this variant is uncertain due to the absence of conclusive functional and genetic evidence.

OMIM
Classification: Pathogenic for DONOHUE SYNDROME. Last evaluated: 1988-05-06. Review status: no assertion criteria provided. Collection method: literature only. Allele origin: germline.

Literature cited by the submitters: PubMed 27896077 (cited by OMIM); PubMed 2834824 (cited by OMIM).